The following is an entry in ClinVar:

ClinVar aggregate classification (germline): Benign (1 of 4 stars; one submission).

Conditions:
Dermatofibrosis lenticularis disseminata (BOS). Also called: DERMATOFIBROSIS LENTICULARIS DISSEMINATA WITH OSTEOPOIKILOSIS; DERMATOOSTEOPOIKILOSIS; OSTEOPATHIA CONDENSANS DISSEMINATA. Identifiers: Orphanet 1306, MedGen C0265514, MONDO:0008157, OMIM 166700.

Allele frequency attached by ClinVar (database versions not stated): gnomAD 0.03784 and 0.04089; 1000 Genomes Project 0.03834; 1000 Genomes Project 30x 0.04091; TOPMed 0.04140.

Submission:

Illumina Laboratory Services, Illumina
Classification: Benign for Dermatofibrosis lenticularis disseminata. Last evaluated: 2018-01-13. Review status: criteria provided, single submitter. Criteria: ICSL Variant Classification Criteria 13 December 2019. Collection method: clinical testing. Allele origin: germline.
Comment: This variant was observed in the ICSL laboratory as part of a predisposition screen in an ostensibly healthy population. It had not been previously curated by ICSL or reported in the Human Gene Mutation Database (HGMD: prior to June 1st, 2018), and was therefore a candidate for classification through an automated scoring system. Utilizing variant allele frequency, disease prevalence and penetrance estimates, and inheritance mode, an automated score was calculated to assess if this variant is too frequent to cause the disease. Based on the score and internal cut-off values, a variant classified as benign is not then subjected to further curation. The score for this variant resulted in a classification of benign for this disease.

NM_014319.5(LEMD3):c.*1635G>A

Gene: LEMD3 (LEM domain containing 3; plus strand). Cytogenetic location: 12q14.3.
Variant type: single nucleotide variant.
Coding change: c.*1635G>A on transcript NM_014319.5 (MANE Select); 1635 bases downstream of the stop codon, G replaced by A.
Molecular consequence: 3 prime UTR variant.
Genome position (GRCh38, 1-based): chr12:65,247,960, G>A. VCF-style: chr12-65247960-G-A. GRCh37 (hg19) VCF-style: chr12-65641740-G-A.
Other names: c.*1635G>A (NM_001167614.2).
Identifiers: ClinVar variation 310260 (VCV000310260.5), dbSNP rs12304180, ClinGen allele CA10638406.